The following is an entry in ClinVar:

ClinVar aggregate classification (germline): Likely pathogenic (1 of 4 stars; one submission).

Conditions:
Retinal disorder. Also called: Retinopathy; Retinopathies; Retinal Diseases; Retinal disorders. Identifiers: MedGen C0035309, MONDO:0005283, HP:0000488.

Submission:

Genetics Laboratory, Great Ormond Street Hospital NHS Foundation Trust, North Thames Genomic Laboratory Hub
Classification: Likely pathogenic for Retinal disorders. Last evaluated: 2026-07-06. Review status: criteria provided, single submitter. Criteria: ACGS Best Practice Guidelines for Variant Classification in Rare Disease 2024 v1.2. Collection method: clinical testing. Allele origin: germline. Affected: yes.
Comment: PM2_moderate, PVS1_strong

NM_001034853.2(RPGR):c.3200delinsAGGAACAGAGAAGAGGAGGAGGAA (p.Gly1067fs)

Gene: RPGR (retinitis pigmentosa GTPase regulator; minus strand). Cytogenetic location: Xp11.4.
Variant type: Indel.
Coding change: c.3200delinsAGGAACAGAGAAGAGGAGGAGGAA on transcript NM_001034853.2 (MANE Select); coding-DNA position 3200, G replaced by AGGAACAGAGAAGAGGAGGAGGAA.
Protein change: p.Gly1067fs; shifts the reading frame from glycine 1067.
Molecular consequence: frameshift variant. On other transcripts: intron variant (8).
Genome position (GRCh38, 1-based): chrX:38,285,799, C replaced by TTCCTCCTCCTCTTCTCTGTTCCT on the plus strand (G replaced by AGGAACAGAGAAGAGGAGGAGGAA on the coding strand, the reverse complement: RPGR is on the minus strand). VCF-style: chrX-38285799-C-TTCCTCCTCCTCTTCTCTGTTCCT. GRCh37 (hg19) VCF-style: chrX-38145052-C-TTCCTCCTCCTCTTCTCTGTTCCT.
Other names: c.1905+1295delinsAGGAACAGAGAAGAGGAGGAGGAA (NM_000328.3); c.1602+5160delinsAGGAACAGAGAAGAGGAGGAGGAA (NM_001367248.1); c.1569+5160delinsAGGAACAGAGAAGAGGAGGAGGAA (NM_001367249.1, NM_001367250.1); c.1902+1295delinsAGGAACAGAGAAGAGGAGGAGGAA (NM_001367245.1); c.1386+5160delinsAGGAACAGAGAAGAGGAGGAGGAA (NM_001367251.1); c.1719+1295delinsAGGAACAGAGAAGAGGAGGAGGAA (NM_001367246.1); c.1572+5160delinsAGGAACAGAGAAGAGGAGGAGGAA (NM_001367247.1); short protein forms G1067fs.
Identifiers: ClinVar variation 4887978 (VCV004887978.1).